The following is an entry in ClinVar:

NM_000183.3(HADHB):c.198_205dup (p.Thr69fs)

Gene: HADHB (hydroxyacyl-CoA dehydrogenase trifunctional multienzyme complex subunit beta; plus strand). Cytogenetic location: 2p23.3.
Variant type: Duplication.
Coding change: c.198_205dup on transcript NM_000183.3 (MANE Select); coding-DNA positions 198 to 205, 8 bases duplicated (GTCTGGCA; older notation c.198_205dupGTCTGGCA).
Protein change: p.Thr69fs; shifts the reading frame from threonine 69.
Molecular consequence: frameshift variant.
Genome position (GRCh38, 1-based): chr2:26,263,468-26,263,475, GTCTGGCA duplicated. VCF-style (leftmost placement, unchanged base first): chr2-26263467-T-TGTCTGGCA. GRCh37 (hg19) VCF-style: chr2-26486335-T-TGTCTGGCA.
Other names: c.198_205dup, p.Thr69fs (NM_001281512.2); c.132_139dup, p.Thr47fs (NM_001281513.2); short protein forms T47fs, T69fs.
Identifiers: ClinVar variation 2633541 (VCV002633541.5), dbSNP rs1376142506, ClinGen allele CA531385412.
Genomic context (GRCh38, chr2:26,263,467, plus strand): 5'-TAGCCAAACCCAATATAAGGAATGTTGTGGTGGTGGATGGTGTTCGCACTCCATTTTTGC[T>TGTCTGGCA]GTCTGGCACTTCGTAAGTATGACATGATCATATTATTTTTTTCCTTCTTTTAAGACACTT-3'

ClinVar aggregate classification (germline): Pathogenic/Likely pathogenic. Review status: criteria provided, multiple submitters, no conflicts (2 of 4 stars). 3 submissions from 3 submitters: Pathogenic (1); Likely pathogenic (2). Last evaluated 2023-10-02.

Conditions:
Mitochondrial trifunctional protein deficiency. Identifiers: Orphanet 746, MedGen C1969443, MONDO:0012172.
HADHB-related disorder. Also called: HADHB-related condition.

Allele frequency attached by ClinVar (database versions not stated): gnomAD exomes below 0.00001.

Submissions (3):

Baylor Genetics
Classification: Likely pathogenic for Mitochondrial trifunctional protein deficiency 1. Last evaluated: 2023-10-02. Review status: criteria provided, single submitter. Criteria: ACMG Guidelines, 2015. Collection method: clinical testing. Allele origin: unknown.

PreventionGenetics, part of Exact Sciences
Classification: Likely pathogenic for HADHB-related condition. Last evaluated: 2023-03-29. Review status: criteria provided, single submitter. Criteria: ACMG Guidelines, 2015. Collection method: clinical testing. Allele origin: germline.
Comment: The HADHB c.198_205dup8 variant is predicted to result in a frameshift and premature protein termination (p.Thr69Serfs*9). To our knowledge, this variant has not been reported in the literature. This variant is reported in 0.00088% of alleles in individuals of European (Non-Finnish) descent in gnomAD. Frameshift variants in HADHB are expected to be pathogenic. This variant is interpreted as likely pathogenic.

Labcorp Genetics (formerly Invitae), Labcorp
Classification: Pathogenic for Mitochondrial trifunctional protein deficiency. Last evaluated: 2023-01-07. Review status: criteria provided, single submitter. Criteria: Invitae Variant Classification Sherloc (09022015). Collection method: clinical testing. Allele origin: germline.
Comment: For these reasons, this variant has been classified as Pathogenic. This variant has not been reported in the literature in individuals affected with HADHB-related conditions. This variant is present in population databases (no rsID available, gnomAD 0.0009%). This sequence change creates a premature translational stop signal (p.Thr69Serfs*9) in the HADHB gene. It is expected to result in an absent or disrupted protein product. Loss-of-function variants in HADHB are known to be pathogenic (PMID: 9259266, 12754706).

Literature cited by the submitters: PubMed 9259266 (cited by Labcorp Genetics (formerly Invitae), Labcorp); PubMed 12754706 (cited by Labcorp Genetics (formerly Invitae), Labcorp).